The following is an entry in ClinVar:

ClinVar aggregate classification (germline): Uncertain significance. Review status: criteria provided, single submitter (1 of 4 stars). 2 submissions from 2 submitters: Uncertain significance (1). 1 of the submissions does not count toward it. Last evaluated 2021-09-01.

Conditions:
Decreased circulating carnitine concentration. Also called: Decreased plasma carnitine. Identifiers: MedGen C5848230, HP:0003234.
Renal carnitine transport defect (CDSP). Also called: Carnitine Deficiency, Systemic; Systemic primary carnitine deficiency; Carnitine transporter deficiency; Systemic primary carnitine deficiency disease; Primary carnitine deficiency; CARNITINE DEFICIENCY, SYSTEMIC, DUE TO DEFECT IN RENAL REABSORPTION OF CARNITINE. Identifiers: Orphanet 158, MedGen C0342788, MONDO:0008919, OMIM 212140.

Allele frequency attached by ClinVar (database versions not stated): gnomAD exomes below 0.00001; ExAC 0.00001.
gnomAD v4.1: 2 of 1,610,346 alleles (0.00012%); highest among the groups gnomAD compares: Non-Finnish European, 0.000085%; no homozygotes.

Submissions (2):

Labcorp Genetics (formerly Invitae), Labcorp
Classification: Uncertain significance for Renal carnitine transport defect. Last evaluated: 2021-09-01. Review status: criteria provided, single submitter. Criteria: Invitae Variant Classification Sherloc (09022015). Collection method: clinical testing. Allele origin: germline.
Comment: This sequence change replaces glutamic acid with aspartic acid at codon 109 of the SLC22A5 protein (p.Glu109Asp). The glutamic acid residue is highly conserved and there is a small physicochemical difference between glutamic acid and aspartic acid. This variant is present in population databases (rs760680664, ExAC 0.002%). This variant has not been reported in the literature in individuals affected with SLC22A5-related conditions. Algorithms developed to predict the effect of missense changes on protein structure and function (SIFT, PolyPhen-2, Align-GVGD) all suggest that this variant is likely to be tolerated. In summary, the available evidence is currently insufficient to determine the role of this variant in disease. Therefore, it has been classified as a Variant of Uncertain Significance.

Natera, Inc.
Classification: Uncertain significance for Carnitine deficiency. Last evaluated: 2021-10-11. Review status: no assertion criteria provided. Collection method: clinical testing. Allele origin: germline. Not counted in ClinVar's aggregate classification.

NM_003060.4(SLC22A5):c.327G>C (p.Glu109Asp)

Gene: SLC22A5 (solute carrier family 22 member 5; plus strand). Cytogenetic location: 5q31.1.
Variant type: single nucleotide variant.
Coding change: c.327G>C on transcript NM_003060.4 (MANE Select); coding-DNA position 327, G replaced by C.
Protein change: p.Glu109Asp; replaces glutamic acid 109 with aspartic acid.
Molecular consequence: missense variant.
Genome position (GRCh38, 1-based): chr5:132,370,299, G>C. VCF-style: chr5-132370299-G-C. GRCh37 (hg19) VCF-style: chr5-131705991-G-C.
Other names: c.327G>C, p.Glu109Asp (NM_001308122.2); short protein forms E109D.
Identifiers: ClinVar variation 654758 (VCV000654758.7), dbSNP rs760680664, ClinGen allele CA3403841.